The following is an entry in ClinVar:

NM_000548.5(TSC2):c.1746C>A (p.His582Gln)

Gene: TSC2 (TSC complex subunit 2; plus strand). Cytogenetic location: 16p13.3.
Variant type: single nucleotide variant.
Coding change: c.1746C>A on transcript NM_000548.5 (MANE Select); coding-DNA position 1746, C replaced by A.
Protein change: p.His582Gln; replaces histidine 582 with glutamine.
Molecular consequence: missense variant.
Genome position (GRCh38, 1-based): chr16:2,070,485, C>A. VCF-style: chr16-2070485-C-A. GRCh37 (hg19) VCF-style: chr16-2120486-C-A.
Other names: c.1746C>A, p.His582Gln (NM_001077183.3, NM_001114382.3, NM_001363528.2 and 3 more transcripts); c.1635C>A, p.His545Gln (NM_001318827.2); c.1599C>A, p.His533Gln (NM_001318829.2); c.1146C>A, p.His382Gln (NM_001318831.2); c.1779C>A, p.His593Gln (NM_001318832.2); c.1746C>A (NM_000548.3); short protein forms H382Q, H593Q, H582Q, H533Q, H545Q.
Identifiers: ClinVar variation 1473790 (VCV001473790.9), dbSNP rs876658921, ClinGen allele CA394272775.

ClinVar aggregate classification (germline): Uncertain significance. Review status: criteria provided, multiple submitters, no conflicts (2 of 4 stars). 2 submissions from 2 submitters: Uncertain significance (2). Last evaluated 2026-07-19.

Conditions:
Hereditary cancer-predisposing syndrome. Also called: Hereditary Cancer Syndrome; Tumor predisposition; Neoplastic Syndromes, Hereditary; Hereditary neoplastic syndrome. Identifiers: Orphanet 140162, MedGen C0027672, MeSH D009386, MONDO:0015356.
Tuberous sclerosis 2 (TSC2). Identifiers: Orphanet 805, MedGen C1860707, MONDO:0013199, OMIM 613254.

Submissions (2):

Ambry Genetics
Classification: Uncertain significance for Hereditary cancer-predisposing syndrome. Last evaluated: 2026-07-19. Review status: criteria provided, single submitter. Criteria: Ambry Variant Classification Scheme 2023. Collection method: clinical testing. Allele origin: germline.
Comment: The p.H582Q variant (also known as c.1746C>A), located in coding exon 16 of the TSC2 gene, results from a C to A substitution at nucleotide position 1746. The histidine at codon 582 is replaced by glutamine, an amino acid with highly similar properties. This amino acid position is conserved. In addition, this alteration is predicted to be deleterious by in silico analysis. Based on the available evidence, the clinical significance of this variant remains unclear.

Labcorp Genetics (formerly Invitae), Labcorp
Classification: Uncertain significance for Tuberous sclerosis 2. Last evaluated: 2026-01-01. Review status: criteria provided, single submitter. Criteria: Invitae Variant Classification Sherloc (09022015). Collection method: clinical testing. Allele origin: germline.
Comment: This sequence change replaces histidine, which is basic and polar, with glutamine, which is neutral and polar, at codon 582 of the TSC2 protein (p.His582Gln). This variant is not present in population databases (gnomAD no frequency). This variant has not been reported in the literature in individuals affected with TSC2-related conditions. ClinVar contains an entry for this variant (Variation ID: 1473790). Invitae Evidence Modeling of protein sequence and biophysical properties (such as structural, functional, and spatial information, amino acid conservation, physicochemical variation, residue mobility, and thermodynamic stability) indicates that this missense variant is not expected to disrupt TSC2 protein function with a negative predictive value of 95%. In summary, the available evidence is currently insufficient to determine the role of this variant in disease. Therefore, it has been classified as a Variant of Uncertain Significance.